The following is an entry in ClinVar:

ClinVar aggregate classification (germline): Conflicting classifications of pathogenicity. Review status: criteria provided, conflicting classifications (1 of 4 stars). 5 submissions from 5 submitters: Uncertain significance (1); Benign (1); Likely benign (3). Last evaluated 2026-01-26.

Conditions:
Rhizomelic chondrodysplasia punctata type 3 (RCDP3). Also called: Alkylglycerone Phosphate Synthase (AGPS) deficiency; ALKYLDIHYDROXYACETONEPHOSPHATE SYNTHASE DEFICIENCY. Identifiers: Orphanet 177, Orphanet 309803, MedGen C1838612, MONDO:0010823, OMIM 600121. Disease mechanism: loss of function.

Allele frequency attached by ClinVar (database versions not stated): 1000 Genomes Project 0.00040; 1000 Genomes Project 30x 0.00047; TOPMed 0.00054; gnomAD 0.00060 and 0.00062; ExAC 0.00072; ESP Exome Variant Server 0.00077; gnomAD exomes 0.00077 and 0.00086.
gnomAD v4.1: 1,345 of 1,610,350 alleles (0.084%); highest among the groups gnomAD compares: South Asian, 0.13%; 3 homozygotes.

Submissions (5):

Labcorp Genetics (formerly Invitae), Labcorp
Classification: Benign. Last evaluated: 2026-01-26. Review status: criteria provided, single submitter. Criteria: Invitae Variant Classification Sherloc (09022015). Collection method: clinical testing. Allele origin: germline.

Blueprint Genetics
Classification: Likely benign. Last evaluated: 2024-11-13. Review status: criteria provided, single submitter. Criteria: ACMG Guidelines, 2015. Collection method: clinical testing. Allele origin: germline.

ARUP Laboratories, Molecular Genetics and Genomics, ARUP Laboratories
Classification: Likely benign for Rhizomelic chondrodysplasia punctata type 3. Last evaluated: 2021-07-16. Review status: criteria provided, single submitter. Criteria: ARUP Molecular Germline Variant Investigation Process 2021. Collection method: clinical testing. Allele origin: germline.

Illumina Laboratory Services, Illumina
Classification: Uncertain significance for Rhizomelic chondrodysplasia punctata type 3. Last evaluated: 2018-01-13. Review status: criteria provided, single submitter. Criteria: ICSL Variant Classification Criteria 13 December 2019. Collection method: clinical testing. Allele origin: germline.

GeneDx
Classification: Likely benign. Last evaluated: 2017-06-22. Review status: criteria provided, single submitter. Criteria: GeneDx Variant Classification (06012015). Collection method: clinical testing. Allele origin: germline. Affected: yes.
Comment: This variant is considered likely benign or benign based on one or more of the following criteria: it is a conservative change, it occurs at a poorly conserved position in the protein, it is predicted to be benign by multiple in silico algorithms, and/or has population frequency not consistent with disease.

NM_003659.4(AGPS):c.637+13C>T

Gene: AGPS (alkylglycerone phosphate synthase; plus strand). Cytogenetic location: 2q31.2.
Variant type: single nucleotide variant.
Coding change: c.637+13C>T on transcript NM_003659.4 (MANE Select); 13 bases into the intron after coding-DNA position 637, C replaced by T.
Molecular consequence: intron variant.
Genome position (GRCh38, 1-based): chr2:177,437,067, C>T. VCF-style: chr2-177437067-C-T. GRCh37 (hg19) VCF-style: chr2-178301795-C-T.
Identifiers: ClinVar variation 332515 (VCV000332515.19), dbSNP rs182602770, ClinGen allele CA1980109.